The following is an entry in ClinVar:

ClinVar aggregate classification (germline): Uncertain significance (1 of 4 stars; one submission).

Allele frequency attached by ClinVar (database versions not stated): gnomAD exomes below 0.00001.
gnomAD v4.1: 4 of 1,614,232 alleles (0.00025%); highest among the groups gnomAD compares: African/African-American, 0.0013%; no homozygotes.

Submission:

Labcorp Genetics (formerly Invitae), Labcorp
Classification: Uncertain significance. Last evaluated: 2022-08-23. Review status: criteria provided, single submitter. Criteria: Invitae Variant Classification Sherloc (09022015). Collection method: clinical testing. Allele origin: germline.
Comment: This sequence change replaces valine, which is neutral and non-polar, with methionine, which is neutral and non-polar, at codon 997 of the LRP2 protein (p.Val997Met). This variant is not present in population databases (gnomAD no frequency). This variant has not been reported in the literature in individuals affected with LRP2-related conditions. ClinVar contains an entry for this variant (Variation ID: 1347126). Algorithms developed to predict the effect of missense changes on protein structure and function are either unavailable or do not agree on the potential impact of this missense change (SIFT: "Tolerated"; PolyPhen-2: "Probably Damaging"; Align-GVGD: "Class C0"). In summary, the available evidence is currently insufficient to determine the role of this variant in disease. Therefore, it has been classified as a Variant of Uncertain Significance.

NM_004525.3(LRP2):c.2989G>A (p.Val997Met)

Gene: LRP2 (LDL receptor related protein 2; minus strand). Cytogenetic location: 2q31.1.
Variant type: single nucleotide variant.
Coding change: c.2989G>A on transcript NM_004525.3 (MANE Select); coding-DNA position 2989, G replaced by A.
Protein change: p.Val997Met; replaces valine 997 with methionine.
Molecular consequence: missense variant.
Genome position (GRCh38, 1-based): chr2:169,246,906, C>T on the plus strand (G>A on the coding strand, the complement: LRP2 is on the minus strand). VCF-style: chr2-169246906-C-T. GRCh37 (hg19) VCF-style: chr2-170103416-C-T.
Other names: short protein forms V997M.
Identifiers: ClinVar variation 1347126 (VCV001347126.3), dbSNP rs1690028908, ClinGen allele CA349153467.